The following is an entry in ClinVar:

NM_001369.3(DNAH5):c.6544A>G (p.Met2182Val)

Gene: DNAH5 (dynein axonemal heavy chain 5; minus strand). Cytogenetic location: 5p15.2.
Variant type: single nucleotide variant.
Coding change: c.6544A>G on transcript NM_001369.3 (MANE Select); coding-DNA position 6544, A replaced by G.
Protein change: p.Met2182Val; replaces methionine 2182 with valine.
Molecular consequence: missense variant.
Genome position (GRCh38, 1-based): chr5:13,824,234, T>C on the plus strand (A>G on the coding strand, the complement: DNAH5 is on the minus strand). VCF-style: chr5-13824234-T-C. GRCh37 (hg19) VCF-style: chr5-13824343-T-C.
Other names: short protein forms M2182V.
Identifiers: ClinVar variation 407224 (VCV000407224.9), dbSNP rs778507942, ClinGen allele CA3203366.

ClinVar aggregate classification (germline): Conflicting classifications of pathogenicity. Review status: criteria provided, conflicting classifications (1 of 4 stars). 3 submissions from 3 submitters: Uncertain significance (1); Likely benign (1). 1 of the submissions does not count toward it. Last evaluated 2024-12-16.

Conditions:
Primary ciliary dyskinesia 3. Identifiers: Orphanet 244, MedGen C1837618, MONDO:0012085, OMIM 608644.
Primary ciliary dyskinesia. Also called: Ciliary dyskinesia. Identifiers: Orphanet 244, MedGen C0008780, MONDO:0016575, HP:0012265.

Allele frequency attached by ClinVar (database versions not stated): gnomAD exomes below 0.00001 and 0.00001; ExAC 0.00002.
gnomAD v4.1: 8 of 1,614,142 alleles (0.0005%); highest among the groups gnomAD compares: South Asian, 0.0055%; no homozygotes.

Submissions (3):

Labcorp Genetics (formerly Invitae), Labcorp
Classification: Likely benign for Primary ciliary dyskinesia. Last evaluated: 2024-12-16. Review status: criteria provided, single submitter. Criteria: Invitae Variant Classification Sherloc (09022015). Collection method: clinical testing. Allele origin: germline.

Neuberg Centre For Genomic Medicine, NCGM
Classification: Uncertain significance for Primary ciliary dyskinesia 3. Last evaluated: 2023-05-20. Review status: criteria provided, single submitter. Criteria: ACMG Guidelines, 2015. Collection method: clinical testing. Allele origin: germline. Inheritance: Autosomal recessive inheritance. Affected: yes.
Comment: The missense c.6544A>G (p.Met2182Val) variant in the DNAH5 gene has not been reported previously as a pathogenic variant nor as a benign variant, to our knowledge. This variant is reported with the allele frequency (0.001%) in the gnomAD Exome. This variant has been reported to the ClinVar database as Uncertain Significance. However, no details are available for independent assessment. The amino acid Methionine at position 2182 is changed to a Valine changing protein sequence and it might alter its composition and physico-chemical properties. Multiple lines of computational evidence (Polyphen - Damaging, SIFT – Damaging and MutationTaster - Disease causing) predict a damaging effect on protein structure and function for this variant. The amino acid change methionine in DNAH5 is predicted as conserved by GERP++ and PhyloP across 100 vertebratesFor these reasons, this variant has been classified as Uncertain Significance.

Natera, Inc.
Classification: Uncertain significance for Primary ciliary dyskinesia. Last evaluated: 2019-11-11. Review status: no assertion criteria provided. Collection method: clinical testing. Allele origin: germline. Not counted in ClinVar's aggregate classification.